The following is an entry in ClinVar:

NM_019096.5(GTPBP2):c.1757C>G (p.Thr586Ser)

Gene: GTPBP2 (GTP binding protein 2; minus strand). Cytogenetic location: 6p21.1.
Variant type: single nucleotide variant.
Coding change: c.1757C>G on transcript NM_019096.5 (MANE Select); coding-DNA position 1757, C replaced by G.
Protein change: p.Thr586Ser; replaces threonine 586 with serine.
Molecular consequence: missense variant.
Genome position (GRCh38, 1-based): chr6:43,621,666, G>C on the plus strand (C>G on the coding strand, the complement: GTPBP2 is on the minus strand). VCF-style: chr6-43621666-G-C. GRCh37 (hg19) VCF-style: chr6-43589403-G-C.
Other names: c.1493C>G, p.Thr498Ser (NM_001286216.2); short protein forms T586S, T498S.
Identifiers: ClinVar variation 1423734 (VCV001423734.7), dbSNP rs560676762, ClinGen allele CA3827447.

ClinVar aggregate classification (germline): Uncertain significance (1 of 4 stars; one submission).

Allele frequency attached by ClinVar (database versions not stated): gnomAD 0.00004; gnomAD exomes 0.00005; 1000 Genomes Project 0.00020; 1000 Genomes Project 30x 0.00031.
gnomAD v4.1: 22 of 1,614,188 alleles (0.0014%); highest among the groups gnomAD compares: East Asian, 0.045%; no homozygotes.

Submission:

Labcorp Genetics (formerly Invitae), Labcorp
Classification: Uncertain significance. Last evaluated: 2023-08-04. Review status: criteria provided, single submitter. Criteria: Invitae Variant Classification Sherloc (09022015). Collection method: clinical testing. Allele origin: germline.
Comment: In summary, the available evidence is currently insufficient to determine the role of this variant in disease. Therefore, it has been classified as a Variant of Uncertain Significance. An algorithm developed to predict the effect of missense changes on protein structure and function (PolyPhen-2) suggests that this variant is likely to be disruptive. ClinVar contains an entry for this variant (Variation ID: 1423734). This variant has not been reported in the literature in individuals affected with GTPBP2-related conditions. This variant is present in population databases (rs560676762, gnomAD 0.06%). This sequence change replaces threonine, which is neutral and polar, with serine, which is neutral and polar, at codon 586 of the GTPBP2 protein (p.Thr586Ser).